The following is an entry in ClinVar:

NM_001103.4(ACTN2):c.352G>A (p.Gly118Ser)

Gene: ACTN2 (actinin alpha 2; plus strand). Cytogenetic location: 1q43.
Variant type: single nucleotide variant.
Coding change: c.352G>A on transcript NM_001103.4 (MANE Select); coding-DNA position 352, G replaced by A.
Protein change: p.Gly118Ser; replaces glycine 118 with serine.
Molecular consequence: missense variant. On other transcripts: 5 prime UTR variant (1).
Genome position (GRCh38, 1-based): chr1:236,719,004, G>A. VCF-style: chr1-236719004-G-A. GRCh37 (hg19) VCF-style: chr1-236882304-G-A.
Other names: c.352G>A, p.Gly118Ser (NM_001278343.2); c.-470G>A (NM_001278344.2); short protein forms G118S.
Identifiers: ClinVar variation 874331 (VCV000874331.28), dbSNP rs1131691370, ClinGen allele CA345373685.

ClinVar aggregate classification (germline): Uncertain significance. Review status: criteria provided, multiple submitters, no conflicts (2 of 4 stars). 3 submissions from 3 submitters: Uncertain significance (3). Last evaluated 2023-11-01.

Conditions:
Dilated cardiomyopathy 1AA (CMD1AA). Also called: Cardiomyopathy, dilated, 1AA, with or without LVNC; CARDIOMYOPATHY, DILATED, 1AA, WITH OR WITHOUT LEFT VENTRICULAR NONCOMPACTION; CARDIOMYOPATHY, FAMILIAL HYPERTROPHIC, 23, WITH OR WITHOUT LEFT VENTRICULAR NONCOMPACTION. Identifiers: Orphanet 154, MedGen C2677338, MONDO:0012808, OMIM 612158.
Primary familial hypertrophic cardiomyopathy (HCM). Identifiers: Orphanet 99739, MedGen C0949658, MeSH D024741, MONDO:0024573. Inheritance: Various modes of inheritance.

Allele frequency attached by ClinVar (database versions not stated): gnomAD exomes below 0.00001.

Submissions (3):

CeGaT Center for Human Genetics Tuebingen
Classification: Uncertain significance. Last evaluated: 2023-11-01. Review status: criteria provided, single submitter. Criteria: CeGaT Center For Human Genetics Tuebingen Variant Classification Criteria Version 2. Collection method: clinical testing. Allele origin: germline. Affected: yes. Observed: 1 variant allele.
Comment: ACTN2: PM2, PM5:Supporting

Labcorp Genetics (formerly Invitae), Labcorp
Classification: Uncertain significance for Primary familial hypertrophic cardiomyopathy; Dilated cardiomyopathy 1AA. Last evaluated: 2019-05-14. Review status: criteria provided, single submitter. Criteria: Invitae Variant Classification Sherloc (09022015). Collection method: clinical testing. Allele origin: germline.
Comment: This sequence change replaces glycine with serine at codon 118 of the ACTN2 protein (p.Gly118Ser). The glycine residue is highly conserved and there is a small physicochemical difference between glycine and serine. This variant is not present in population databases (ExAC no frequency). This variant has not been reported in the literature in individuals with ACTN2-related conditions. Algorithms developed to predict the effect of missense changes on protein structure and function (SIFT, PolyPhen-2, Align-GVGD) all suggest that this variant is likely to be disruptive, but these predictions have not been confirmed by published functional studies and their clinical significance is uncertain. In summary, the available evidence is currently insufficient to determine the role of this variant in disease. Therefore, it has been classified as a Variant of Uncertain Significance.

Illumina Laboratory Services, Illumina
Classification: Uncertain significance for Dilated cardiomyopathy 1AA. Last evaluated: 2018-01-13. Review status: criteria provided, single submitter. Criteria: ICSL Variant Classification Criteria 13 December 2019. Collection method: clinical testing. Allele origin: germline.